The following continues an entry in ClinVar:

NM_000059.4(BRCA2):c.7988A>T (p.Glu2663Val)

Gene: BRCA2. ClinVar aggregate classification (germline): Pathogenic. Pathogenic (1).

Submissions 8 to 16 of 29:

Color Diagnostics, LLC DBA Color Health
Classification: Pathogenic for Hereditary cancer-predisposing syndrome. Last evaluated: 2025-03-04. Review status: criteria provided, single submitter. Criteria: ACMG Guidelines, 2015. Collection method: clinical testing. Allele origin: germline. Not counted in ClinVar's aggregate classification.
Comment: This missense variant replaces glutamic acid with valine at codon 2663 in the DNA binding domain of the BRCA2 protein. Computational prediction suggests that this variant may have deleterious impact on protein structure and function. Functional studies have shown the mutant protein to be incapable of complementing BRCA2-deficiency in mouse embryonic stem cells (PMID: 18607349), non-functional in a haploid cell proliferation assay (PMID: 39779857) and to exhibit reduced homologous DNA repair activity (PMID: 20513136). In addition, multiple RNA studies have shown that this variant affects RNA splicing and results in the production of transcripts lacking the entire or partial exon 18, or both exons 17 and 18, all predicted to cause premature protein truncation (PMID: 18451181, 20215541, 20513136). The amount of full length transcript produced from the mutant allele was greater than that of aberrant transcripts. However, the ratio of aberrant transcript to full length transcripts was higher in carrier individuals than in non-carrier individuals of this variant (PMID: 20513136). These functional study results indicate that this variant inactivates BRCA2 gene function, both by disrupting protein function and by dysregulating RNA splicing. This variant has been reported in over ten individuals affected with breast cancer, ovarian cancer or pancreatic cancer (PMID: 16489001, 17924331, 18451181, 18446624, 20104584, 20513136, 21965345, 23242139, 25452441, 33808557, 33439686; Color internal data). The variant has been shown to segregate with cancer in multiple families (ClinVar SCV000592166.2) and determined to have a high probability of being disease-causing by multifactorial likelihood analysis using computational prediction, functional study data and genetic data (PMID: 17924331, 18451181, 21990134). This variant has not been identified in the general population by the Genome Aggregation Database (gnomAD). Based on the available evidence, this variant is classified as Pathogenic.

Cambridge Genomics Laboratory, East Genomic Laboratory Hub, NHS Genomic Medicine Service
Classification: Pathogenic for Inherited ovarian cancer (without breast cancer). Last evaluated: 2025-01-29. Review status: criteria provided, single submitter. Criteria: ACGS Best Practice Guidelines for Variant Classification in Rare Disease 2020. Collection method: clinical testing. Allele origin: germline. Affected: yes. Not counted in ClinVar's aggregate classification.
Comment: PS4_Very Strong,PM1,PM2,PP3,PP4_Strong

Revvity Omics, Revvity
Classification: Pathogenic. Last evaluated: 2024-08-12. Review status: criteria provided, single submitter. Criteria: ACMG Guidelines, 2015. Collection method: clinical testing. Allele origin: germline. Not counted in ClinVar's aggregate classification.

Department of Clinical Genetics, Copenhagen University Hospital, Rigshospitalet
Classification: Pathogenic for Breast-ovarian cancer, familial, susceptibility to, 2. Last evaluated: 2024-05-27. Review status: criteria provided, single submitter. Criteria: ACMG Guidelines, 2015. Collection method: clinical testing. Allele origin: germline. Affected: yes. Not counted in ClinVar's aggregate classification.
Comment: PM2_Supporting; PP1, PP3; PS3; Expert panel

Baylor Genetics
Classification: Pathogenic for Familial cancer of breast. Last evaluated: 2024-03-21. Review status: criteria provided, single submitter. Criteria: ACMG Guidelines, 2015. Collection method: clinical testing. Allele origin: unknown. Not counted in ClinVar's aggregate classification.

Mayo Clinic Laboratories, Mayo Clinic
Classification: Pathogenic. Last evaluated: 2024-03-19. Review status: criteria provided, single submitter. Criteria: ACMG Guidelines, 2015. Collection method: clinical testing. Allele origin: germline. Observed: 1 variant allele. Not counted in ClinVar's aggregate classification.
Comment: PP1, PP3, PP4_strong, PM2, PS3

All of Us Research Program, National Institutes of Health
Classification: Pathogenic for Breast-ovarian cancer, familial, susceptibility to, 2. Last evaluated: 2023-10-05. Review status: criteria provided, single submitter. Criteria: ACMG Guidelines, 2015. Collection method: clinical testing. Allele origin: germline. Inheritance: Autosomal dominant inheritance. Observed: 1 variant allele, 1 heterozygote. Not counted in ClinVar's aggregate classification.
Comment: This missense variant replaces glutamic acid with valine at codon 2663 in the DNA binding domain of the BRCA2 protein. Computational prediction suggests that this variant may have deleterious impact on protein structure and function (internally defined REVEL score threshold >= 0.7, PMID: 27666373). Functional studies have shown the mutant protein to be incapable of complementing BRCA2-deficiency in mouse embryonic stem cells (PMID: 18607349) and to exhibit reduced homologous DNA repair activity (PMID: 20513136). In addition, multiple RNA studies have shown that this variant affects RNA splicing and results in the production of transcripts lacking the entire or partial exon 18, or both exons 17 and 18, all predicted to cause premature protein truncation (PMID: 18451181, 20215541, 20513136). The amount of full length transcript produced from the mutant allele was greater than that of aberrant transcripts. However, the ratio of aberrant transcript to full length transcripts was higher in carrier individuals than in non-carrier individuals of this variant (PMID: 20513136). These functional study results indicate that this variant inactivates BRCA2 gene function, both by disrupting protein function and by dysregulating RNA splicing. This variant has been reported in over ten individuals affected with breast cancer, ovarian cancer or pancreatic cancer (PMID: 16489001, 17924331, 18451181, 18446624, 20104584, 20513136, 21965345, 23242139, 25452441, 33808557, 33439686; Color internal data). The variant has been shown to segregate with cancer in multiple families (ClinVar SCV000592166.2) and determined to have a high probability of being disease-causing by multifactorial likelihood analysis using computational prediction, functional study data and genetic data (PMID: 17924331, 18451181, 21990134). This variant has not been identified in the general population by the Genome Aggregation Database (gnomAD). Based on the available evidence, this variant is classified as Pathogenic.

This study involves interpretation of variants in research participants for the purpose of population health screening. Participant phenotype was not available at the time of variant classification. Additional details can be found in publication PMID: 35346344, PMCID: PMC8962531

GeneDx
Classification: Pathogenic. Last evaluated: 2023-02-03. Review status: criteria provided, single submitter. Criteria: GeneDx Variant Classification Process June 2021. Collection method: clinical testing. Allele origin: germline. Affected: yes. Not counted in ClinVar's aggregate classification.
Comment: Multifactorial studies suggest this variant is associated with breast and ovarian cancer (Lindor et al., 2012); Not observed at significant frequency in large population cohorts (gnomAD); In silico analysis supports that this missense variant does not alter protein structure/function; Also known as 8216A>T; This variant is associated with the following publications: (PMID: 19043619, 20104584, 21965345, 18451181, 21702907, 21520273, 20513136, 18607349, 16489001, 17924331, 28339459, 25452441, 20215541, 23893897, 23242139, 24212087, 21638052, 27060066, 29446198, 30638113, 31263054, 30736279, 31447099, 32392735, 32322110, 34399810, 30787465, 33758026, 33808557, 33087929, 33471991, 33978741, 34906479, 12228710, 21990134)

Quest Diagnostics Nichols Institute San Juan Capistrano
Classification: Pathogenic. Last evaluated: 2023-01-05. Review status: criteria provided, single submitter. Criteria: Quest Diagnostics criteria. Collection method: clinical testing. Allele origin: unknown. Not counted in ClinVar's aggregate classification.
Comment: This variant has not been reported in large, multi-ethnic general populations. In the published literature, the variant has been reported in affected individuals with breast and/or ovarian cancer (PMIDs: 16489001 (2006), 20104584 (2010), 25452441 (2015), 33758026 (2022), and 34399810 (2021)). In a large scale breast cancer association study, the variant was observed in control individuals, as well as among individuals with breast cancer (PMID: 33471991 (2021), see also LOVD). Functional studies demonstrated aberrant splicing, increased naturally occurring exon 18 skipping, reduced homologous repair activity, and failure to rescue mouse embryonic stem cells (PMIDs: 18451181 (2008), 18607349 (2008), 20215541 (2010), 20513136 (2010), 28339459 (2017), and 30736279 (2019)). This variant was also determined to have a high probability of being disease-causing by multifactorial likelihood analyses (PMIDs: 17924331 (2007), 18451181 (2008), 20513136 (2010), and 21990134 (2012)). Analysis of this variant using bioinformatics tools for the prediction of the effect of amino acid changes on protein structure and function yielded predictions that this variant is damaging. Additional analysis using software algorithms for the prediction of the effect of nucleotide changes on BRCA2 mRNA splicing yielded predictions that this variant may result in the gain of a cryptic splice site without affecting the natural splice sites . Based on the available information, this variant is classified as pathogenic.